The following is an entry in ClinVar:

NM_000260.4(MYO7A):c.4893C>A (p.Asp1631Glu)

Gene: MYO7A (myosin VIIA; plus strand). Cytogenetic location: 11q13.5.
Variant type: single nucleotide variant.
Coding change: c.4893C>A on transcript NM_000260.4 (MANE Select); coding-DNA position 4893, C replaced by A.
Protein change: p.Asp1631Glu; replaces aspartic acid 1631 with glutamic acid.
Molecular consequence: missense variant.
Genome position (GRCh38, 1-based): chr11:77,201,488, C>A. VCF-style: chr11-77201488-C-A. GRCh37 (hg19) VCF-style: chr11-76912533-C-A.
Other names: c.4779C>A, p.Asp1593Glu (NM_001127180.2); c.4746C>A, p.Asp1582Glu (NM_001369365.1); short protein forms D1631E, D1582E, D1593E.
Identifiers: ClinVar variation 2145948 (VCV002145948.4), dbSNP rs2497630238, ClinGen allele CA381951171.

ClinVar aggregate classification (germline): Uncertain significance (1 of 4 stars; one submission).

Allele frequency attached by ClinVar (database versions not stated): gnomAD exomes below 0.00001.
gnomAD v4.1: 1 of 1,613,968 alleles (0.000062%); highest among the groups gnomAD compares: Non-Finnish European, 0.000085%; no homozygotes.

Submission:

Labcorp Genetics (formerly Invitae), Labcorp
Classification: Uncertain significance. Last evaluated: 2023-08-18. Review status: criteria provided, single submitter. Criteria: Invitae Variant Classification Sherloc (09022015). Collection method: clinical testing. Allele origin: germline.
Comment: This variant has not been reported in the literature in individuals affected with MYO7A-related conditions. In summary, the available evidence is currently insufficient to determine the role of this variant in disease. Therefore, it has been classified as a Variant of Uncertain Significance. Advanced modeling of protein sequence and biophysical properties (such as structural, functional, and spatial information, amino acid conservation, physicochemical variation, residue mobility, and thermodynamic stability) performed at Invitae indicates that this missense variant is not expected to disrupt MYO7A protein function. ClinVar contains an entry for this variant (Variation ID: 2145948). This variant is not present in population databases (gnomAD no frequency). This sequence change replaces aspartic acid, which is acidic and polar, with glutamic acid, which is acidic and polar, at codon 1631 of the MYO7A protein (p.Asp1631Glu).